The following is an entry in ClinVar:

NM_000018.4(ACADVL):c.1186A>G (p.Met396Val)

Gene: ACADVL (acyl-CoA dehydrogenase very long chain; plus strand). Cytogenetic location: 17p13.1.
Variant type: single nucleotide variant.
Coding change: c.1186A>G on transcript NM_000018.4 (MANE Select); coding-DNA position 1186, A replaced by G.
Protein change: p.Met396Val; replaces methionine 396 with valine.
Molecular consequence: missense variant.
Genome position (GRCh38, 1-based): chr17:7,223,647, A>G. VCF-style: chr17-7223647-A-G. GRCh37 (hg19) VCF-style: chr17-7126966-A-G.
Other names: c.1120A>G, p.Met374Val (NM_001033859.3); c.1255A>G, p.Met419Val (NM_001270447.2); c.958A>G, p.Met320Val (NM_001270448.2); short protein forms M396V, M320V, M374V, M419V.
Identifiers: ClinVar variation 891330 (VCV000891330.13), dbSNP rs2071337130, ClinGen allele CA397724545.

ClinVar aggregate classification (germline): Conflicting classifications of pathogenicity. Review status: criteria provided, conflicting classifications (1 of 4 stars). 2 submissions from 2 submitters: Pathogenic (1); Uncertain significance (1). Last evaluated 2022-01-19.

Conditions:
Very long chain acyl-CoA dehydrogenase deficiency (ACADVLD). Also called: VLCAD Deficiency; Very Long-Chain Acyl-Coenzyme A Dehydrogenase Deficiency. Identifiers: Orphanet 26793, MedGen C3887523, MONDO:0008723, OMIM 201475.

Allele frequency attached by ClinVar (database versions not stated): gnomAD exomes below 0.00001.

Submissions (2):

Labcorp Genetics (formerly Invitae), Labcorp
Classification: Pathogenic for Very long chain acyl-CoA dehydrogenase deficiency. Last evaluated: 2022-01-19. Review status: criteria provided, single submitter. Criteria: Invitae Variant Classification Sherloc (09022015). Collection method: clinical testing. Allele origin: germline.
Comment: This variant is not present in population databases (gnomAD no frequency). This sequence change replaces methionine, which is neutral and non-polar, with valine, which is neutral and non-polar, at codon 396 of the ACADVL protein (p.Met396Val). This missense change has been observed in individual(s) with clinical features of very long-chain acyl-CoA dehydrogenase deficiency (Invitae). In at least one individual the data is consistent with being in trans (on the opposite chromosome) from a pathogenic variant. ClinVar contains an entry for this variant (Variation ID: 891330). Advanced modeling of protein sequence and biophysical properties (such as structural, functional, and spatial information, amino acid conservation, physicochemical variation, residue mobility, and thermodynamic stability) performed at Invitae indicates that this missense variant is expected to disrupt ACADVL protein function. For these reasons, this variant has been classified as Pathogenic.

Illumina Laboratory Services, Illumina
Classification: Uncertain significance for Very long chain acyl-CoA dehydrogenase deficiency. Last evaluated: 2018-01-13. Review status: criteria provided, single submitter. Criteria: ICSL Variant Classification Criteria 13 December 2019. Collection method: clinical testing. Allele origin: germline.